The following is an entry in ClinVar:

ClinVar aggregate classification (germline): Uncertain significance (1 of 4 stars; one submission).

Allele frequency attached by ClinVar (database versions not stated): ESP Exome Variant Server 0.00008.

Submission:

Ambry Genetics
Classification: Uncertain significance. Last evaluated: 2022-03-16. Review status: criteria provided, single submitter. Criteria: Ambry Variant Classification Scheme 2023. Collection method: clinical testing. Allele origin: germline.
Comment: The p.D1957G variant (also known as c.5870A>G), located in coding exon 18 of the POLQ gene, results from an A to G substitution at nucleotide position 5870. The aspartic acid at codon 1957 is replaced by glycine, an amino acid with similar properties. This amino acid position is conserved. In addition, this alteration is predicted to be tolerated by in silico analysis. Since supporting evidence is limited at this time, the clinical significance of this alteration remains unclear.

NM_199420.4(POLQ):c.5870A>G (p.Asp1957Gly)

Gene: POLQ (DNA polymerase theta; minus strand). Cytogenetic location: 3q13.33.
Variant type: single nucleotide variant.
Coding change: c.5870A>G on transcript NM_199420.4 (MANE Select); coding-DNA position 5870, A replaced by G.
Protein change: p.Asp1957Gly; replaces aspartic acid 1957 with glycine.
Molecular consequence: missense variant.
Genome position (GRCh38, 1-based): chr3:121,483,486, T>C on the plus strand (A>G on the coding strand, the complement: POLQ is on the minus strand). VCF-style: chr3-121483486-T-C. GRCh37 (hg19) VCF-style: chr3-121202333-T-C.
Other names: short protein forms D1957G.
Identifiers: ClinVar variation 1750196 (VCV001750196.2), dbSNP rs377344941, ClinGen allele CA2562616.
Genomic context (GRCh38, chr3:121,483,486, plus strand): 5'-GAAAGAAGAAGAATTTTATAGCTCTGGATGAAGTCATAGATGACAACAGAACATTCTTTA[T>C]CAGATTCCTTTCGCAAGCAAGATTGAAGGTACCACATCCTGTCTTTCAAAGTCAGGCTTG-3'
Protein context (NP_955452.3, residues 1947-1967): YLQSCLRKES[Asp1957Gly]KECSVVIYDF